The following is an entry in ClinVar:

NM_006767.4(LZTR1):c.2001T>A (p.Cys667Ter)

Gene: LZTR1 (leucine zipper like post translational regulator 1; plus strand). Cytogenetic location: 22q11.21.
Variant type: single nucleotide variant.
Coding change: c.2001T>A on transcript NM_006767.4 (MANE Select); coding-DNA position 2001, T replaced by A.
Protein change: p.Cys667Ter; replaces cysteine 667 with a stop codon.
Molecular consequence: nonsense.
Genome position (GRCh38, 1-based): chr22:20,995,804, T>A. VCF-style: chr22-20995804-T-A. GRCh37 (hg19) VCF-style: chr22-21350093-T-A.
Other names: short protein forms C667*.
Identifiers: ClinVar variation 3709320 (VCV003709320.2).

ClinVar aggregate classification (germline): Pathogenic (1 of 4 stars; one submission).

Submission:

Labcorp Genetics (formerly Invitae), Labcorp
Classification: Pathogenic. Last evaluated: 2025-01-11. Review status: criteria provided, single submitter. Criteria: Invitae Variant Classification Sherloc (09022015). Collection method: clinical testing. Allele origin: germline.
Comment: This sequence change creates a premature translational stop signal (p.Cys667*) in the LZTR1 gene. It is expected to result in an absent or disrupted protein product. Loss-of-function variants in LZTR1 are known to be pathogenic (PMID: 24362817, 25335493, 25480913, 25795793, 29469822, 30368668, 30442762, 30442766, 30481304, 30859559). This variant is not present in population databases (gnomAD no frequency). This variant has not been reported in the literature in individuals affected with LZTR1-related conditions. For these reasons, this variant has been classified as Pathogenic.

Literature cited by the submitters: PubMed 24362817; PubMed 25335493; PubMed 25480913; PubMed 25795793; PubMed 29469822; PubMed 30368668; PubMed 30442762; PubMed 30442766; PubMed 30481304; PubMed 30859559.